The following is an entry in ClinVar:

NM_080680.3(COL11A2):c.2590T>A (p.Ser864Thr)

Gene: COL11A2 (collagen type XI alpha 2 chain; minus strand). Cytogenetic location: 6p21.32.
Variant type: single nucleotide variant.
Coding change: c.2590T>A on transcript NM_080680.3 (MANE Select); coding-DNA position 2590, T replaced by A.
Protein change: p.Ser864Thr; replaces serine 864 with threonine.
Molecular consequence: missense variant.
Genome position (GRCh38, 1-based): chr6:33,173,739, A>T on the plus strand (T>A on the coding strand, the complement: COL11A2 is on the minus strand). VCF-style: chr6-33173739-A-T. GRCh37 (hg19) VCF-style: chr6-33141516-A-T.
Other names: c.2410T>A, p.Ser804Thr (NM_001424108.1); c.1744T>A, p.Ser582Thr (NM_001424109.1); c.1564T>A, p.Ser522Thr (NM_001424110.1, NM_001424111.1); c.544T>A, p.Ser182Thr (NM_001424112.1); c.2269T>A, p.Ser757Thr (NM_080679.3); c.2332T>A, p.Ser778Thr (NM_080681.3); short protein forms S182T, S804T, S582T, S757T, S778T, S864T, S522T.
Identifiers: ClinVar variation 2810117 (VCV002810117.3), dbSNP rs773502437, ClinGen allele CA363642702.

ClinVar aggregate classification (germline): Uncertain significance (1 of 4 stars; one submission).

Submission:

Labcorp Genetics (formerly Invitae), Labcorp
Classification: Uncertain significance. Last evaluated: 2022-10-27. Review status: criteria provided, single submitter. Criteria: Invitae Variant Classification Sherloc (09022015). Collection method: clinical testing. Allele origin: germline.
Comment: In summary, the available evidence is currently insufficient to determine the role of this variant in disease. Therefore, it has been classified as a Variant of Uncertain Significance. Advanced modeling of protein sequence and biophysical properties (such as structural, functional, and spatial information, amino acid conservation, physicochemical variation, residue mobility, and thermodynamic stability) performed at Invitae indicates that this missense variant is not expected to disrupt COL11A2 protein function. This variant has not been reported in the literature in individuals affected with COL11A2-related conditions. This variant is not present in population databases (gnomAD no frequency). This sequence change replaces serine, which is neutral and polar, with threonine, which is neutral and polar, at codon 864 of the COL11A2 protein (p.Ser864Thr).